The following is an entry in ClinVar:

NM_000232.5(SGCB):c.32A>G (p.Gln11Arg)

Genes: SGCB (sarcoglycan beta; minus strand), LOC129992585 (ATAC-STARR-seq lymphoblastoid silent region 15421; plus strand). Cytogenetic location: 4q12.
Variant type: single nucleotide variant.
Coding change: c.32A>G on transcript NM_000232.5 (MANE Select); coding-DNA position 32, A replaced by G.
Protein change: p.Gln11Arg; replaces glutamine 11 with arginine.
Molecular consequence: missense variant.
Genome position (GRCh38, 1-based): chr4:52,038,228, T>C on the plus strand (A>G on the coding strand, the complement: SGCB is on the minus strand). VCF-style: chr4-52038228-T-C. GRCh37 (hg19) VCF-style: chr4-52904394-T-C.
Other names: short protein forms Q11R.
Identifiers: ClinVar variation 1401200 (VCV001401200.5), dbSNP rs2109380807, ClinGen allele CA356878670.

ClinVar aggregate classification (germline): Uncertain significance (1 of 4 stars; one submission).

Conditions:
Autosomal recessive limb-girdle muscular dystrophy type 2E (LGMDR4). Also called: MUSCULAR DYSTROPHY, LIMB-GIRDLE, AUTOSOMAL RECESSIVE 4. Identifiers: Orphanet 119, MedGen C1858593, MONDO:0011423, OMIM 604286. Disease mechanism: Affects gamma-sarcoglycan and also disrupts the integrity of the entire sarcoglycan complex..

Allele frequency attached by ClinVar (database versions not stated): gnomAD exomes below 0.00001.

Submission:

Labcorp Genetics (formerly Invitae), Labcorp
Classification: Uncertain significance for Autosomal recessive limb-girdle muscular dystrophy type 2E. Last evaluated: 2022-07-26. Review status: criteria provided, single submitter. Criteria: Invitae Variant Classification Sherloc (09022015). Collection method: clinical testing. Allele origin: germline.
Comment: This sequence change replaces glutamine, which is neutral and polar, with arginine, which is basic and polar, at codon 11 of the SGCB protein (p.Gln11Arg). This variant is not present in population databases (gnomAD no frequency). This variant has not been reported in the literature in individuals affected with SGCB-related conditions. ClinVar contains an entry for this variant (Variation ID: 1401200). Algorithms developed to predict the effect of missense changes on protein structure and function (SIFT, PolyPhen-2, Align-GVGD) all suggest that this variant is likely to be tolerated. Algorithms developed to predict the effect of sequence changes on RNA splicing suggest that this variant may disrupt the consensus splice site. In summary, the available evidence is currently insufficient to determine the role of this variant in disease. Therefore, it has been classified as a Variant of Uncertain Significance.